The following is an entry in ClinVar:

NM_000215.4(JAK3):c.14G>A (p.Ser5Asn)

Gene: JAK3 (Janus kinase 3; minus strand). Cytogenetic location: 19p13.11.
Variant type: single nucleotide variant.
Coding change: c.14G>A on transcript NM_000215.4 (MANE Select); coding-DNA position 14, G replaced by A.
Protein change: p.Ser5Asn; replaces serine 5 with asparagine.
Molecular consequence: missense variant.
Genome position (GRCh38, 1-based): chr19:17,844,404, C>T on the plus strand (G>A on the coding strand, the complement: JAK3 is on the minus strand). VCF-style: chr19-17844404-C-T. GRCh37 (hg19) VCF-style: chr19-17955213-C-T.
Other names: short protein forms S5N.
Identifiers: ClinVar variation 837106 (VCV000837106.9), dbSNP rs566269022, ClinGen allele CA9302285.

ClinVar aggregate classification (germline): Uncertain significance (1 of 4 stars; one submission).

Conditions:
T-B+ severe combined immunodeficiency due to JAK3 deficiency. Also called: SCID, autosomal recessive, T-negative/B-positive type; SCID, T CELL-NEGATIVE, B CELL-POSITIVE, NK CELL-NEGATIVE. Identifiers: Orphanet 35078, MedGen C1833275, MONDO:0010938, OMIM 600802.

Allele frequency attached by ClinVar (database versions not stated): gnomAD exomes below 0.00001 and 0.00001; gnomAD 0.00001 and 0.00003; TOPMed 0.00002; ExAC 0.00004; 1000 Genomes Project 30x 0.00062; 1000 Genomes Project 0.00080.
gnomAD v4.1: 5 of 1,610,726 alleles (0.00031%); highest among the groups gnomAD compares: African/African-American, 0.0067%; no homozygotes.

Submission:

Labcorp Genetics (formerly Invitae), Labcorp
Classification: Uncertain significance for T-B+ severe combined immunodeficiency due to JAK3 deficiency. Last evaluated: 2021-07-19. Review status: criteria provided, single submitter. Criteria: Invitae Variant Classification Sherloc (09022015). Collection method: clinical testing. Allele origin: germline.
Comment: Algorithms developed to predict the effect of missense changes on protein structure and function output the following: SIFT: "Tolerated"; PolyPhen-2: "Benign"; Align-GVGD: "Class C0". The asparagine amino acid residue is found in multiple mammalian species, suggesting that this missense change does not adversely affect protein function. These predictions have not been confirmed by published functional studies and their clinical significance is uncertain. In summary, the available evidence is currently insufficient to determine the role of this variant in disease. Therefore, it has been classified as a Variant of Uncertain Significance. This variant has not been reported in the literature in individuals with JAK3-related conditions. This variant is present in population databases (rs566269022, ExAC 0.05%). This sequence change replaces serine with asparagine at codon 5 of the JAK3 protein (p.Ser5Asn). The serine residue is weakly conserved and there is a small physicochemical difference between serine and asparagine.